The following is an entry in ClinVar:

ClinVar aggregate classification (germline): Conflicting classifications of pathogenicity. Review status: criteria provided, conflicting classifications (1 of 4 stars). 2 submissions from 2 submitters: Uncertain significance (1); Benign (1). Last evaluated 2025-12-17.

Conditions:
Hereditary cancer-predisposing syndrome. Also called: Neoplastic Syndromes, Hereditary; Hereditary neoplastic syndrome; Hereditary Cancer Syndrome; Tumor predisposition. Identifiers: Orphanet 140162, MedGen C0027672, MeSH D009386, MONDO:0015356.
Tuberous sclerosis 2 (TSC2). Identifiers: Orphanet 805, MedGen C1860707, MONDO:0013199, OMIM 613254.

Allele frequency attached by ClinVar (database versions not stated): gnomAD exomes below 0.00001; TOPMed below 0.00001.
gnomAD v4.1: 3 of 1,614,220 alleles (0.00019%); highest among the groups gnomAD compares: African/African-American, 0.0013%; no homozygotes.

Submissions (2):

Labcorp Genetics (formerly Invitae), Labcorp
Classification: Benign for Tuberous sclerosis 2. Last evaluated: 2025-12-17. Review status: criteria provided, single submitter. Criteria: Invitae Variant Classification Sherloc (09022015). Collection method: clinical testing. Allele origin: germline.

Ambry Genetics
Classification: Uncertain significance for Hereditary cancer-predisposing syndrome. Last evaluated: 2023-12-29. Review status: criteria provided, single submitter. Criteria: Ambry Variant Classification Scheme 2023. Collection method: clinical testing. Allele origin: germline.
Comment: The p.P131L variant (also known as c.392C>T), located in coding exon 4 of the TSC2 gene, results from a C to T substitution at nucleotide position 392. The proline at codon 131 is replaced by leucine, an amino acid with similar properties. This amino acid position is conserved. In addition, the in silico prediction for this alteration is inconclusive. Since supporting evidence is limited at this time, the clinical significance of this alteration remains unclear.

NM_000548.5(TSC2):c.392C>T (p.Pro131Leu)

Gene: TSC2 (TSC complex subunit 2; plus strand). Cytogenetic location: 16p13.3.
Variant type: single nucleotide variant.
Coding change: c.392C>T on transcript NM_000548.5 (MANE Select); coding-DNA position 392, C replaced by T.
Protein change: p.Pro131Leu; replaces proline 131 with leucine.
Molecular consequence: missense variant. On other transcripts: intron variant (1).
Genome position (GRCh38, 1-based): chr16:2,054,351, C>T. VCF-style: chr16-2054351-C-T. GRCh37 (hg19) VCF-style: chr16-2104352-C-T.
Other names: c.392C>T, p.Pro131Leu (NM_001077183.3, NM_001114382.3, NM_001363528.2 and 3 more transcripts); c.281C>T, p.Pro94Leu (NM_001318827.2); c.245C>T, p.Pro82Leu (NM_001318829.2); c.425C>T, p.Pro142Leu (NM_001318832.2); c.-1-1845C>T (NM_001318831.2); short protein forms P131L, P142L, P94L, P82L.
Identifiers: ClinVar variation 655701 (VCV000655701.11), dbSNP rs1487984678, ClinGen allele CA394306918.